The following is an entry in ClinVar:

ClinVar aggregate classification (germline): Uncertain significance. Review status: criteria provided, multiple submitters, no conflicts (2 of 4 stars). 3 submissions from 3 submitters: Uncertain significance (3). Last evaluated 2024-09-30.

Conditions:
Hereditary cancer-predisposing syndrome. Also called: Neoplastic Syndromes, Hereditary; Tumor predisposition; Hereditary neoplastic syndrome; Hereditary Cancer Syndrome. Identifiers: Orphanet 140162, MedGen C0027672, MeSH D009386, MONDO:0015356.
Hereditary nonpolyposis colorectal neoplasms. Identifiers: MedGen C0009405, MeSH D003123.
Lynch syndrome 5 (LYNCH5). Also called: Hereditary non-polyposis colorectal cancer, type 5; Colorectal cancer, hereditary nonpolyposis, type 5. Identifiers: Orphanet 144, MedGen C1833477, MONDO:0013710, OMIM 614350. Disease mechanism: loss of function.

Allele frequency attached by ClinVar (database versions not stated): gnomAD exomes below 0.00001.

Submissions (3):

Molecular Pathology, Peter Maccallum Cancer Centre
Classification: Uncertain significance for Lynch syndrome 5. Last evaluated: 2024-09-30. Review status: criteria provided, single submitter. Criteria: ACMG Guidelines, 2015. Collection method: clinical testing. Allele origin: germline. Inheritance: Autosomal dominant inheritance.

Labcorp Genetics (formerly Invitae), Labcorp
Classification: Uncertain significance for Hereditary nonpolyposis colorectal neoplasms. Last evaluated: 2024-03-25. Review status: criteria provided, single submitter. Criteria: Invitae Variant Classification Sherloc (09022015). Collection method: clinical testing. Allele origin: germline.
Comment: This sequence change replaces methionine, which is neutral and non-polar, with isoleucine, which is neutral and non-polar, at codon 100 of the MSH6 protein (p.Met100Ile). This variant is not present in population databases (gnomAD no frequency). This variant has not been reported in the literature in individuals affected with MSH6-related conditions. ClinVar contains an entry for this variant (Variation ID: 641861). Advanced modeling of protein sequence and biophysical properties (such as structural, functional, and spatial information, amino acid conservation, physicochemical variation, residue mobility, and thermodynamic stability) performed at Invitae indicates that this missense variant is not expected to disrupt MSH6 protein function with a negative predictive value of 95%. In summary, the available evidence is currently insufficient to determine the role of this variant in disease. Therefore, it has been classified as a Variant of Uncertain Significance.

Ambry Genetics
Classification: Uncertain significance for Hereditary cancer-predisposing syndrome. Last evaluated: 2016-02-28. Review status: criteria provided, single submitter. Criteria: Ambry Variant Classification Scheme 2023. Collection method: clinical testing. Allele origin: germline.
Comment: The p.M100I variant (also known as c.300G>A), located in coding exon 2 of the MSH6 gene, results from a G to A substitution at nucleotide position 300. The methionine at codon 100 is replaced by isoleucine, an amino acid with highly similar properties. This variant was not reported in population based cohorts in the following databases: Database of Single Nucleotide Polymorphisms (dbSNP), NHLBI Exome Sequencing Project (ESP), and 1000 Genomes Project. In the ESP, this variant was not observed in 6503 samples (13006 alleles) with coverage at this position. To date, this alteration has been detected with an allele frequency of approximately 0.001% (greater than 115000 alleles tested) in our clinical cohort. This amino acid position is well conserved in available vertebrate species. In addition, the in silico prediction for this alteration is inconclusive. Since supporting evidence is limited at this time, the clinical significance of this alteration remains unclear.

NM_000179.3(MSH6):c.300G>A (p.Met100Ile)

Gene: MSH6 (mutS homolog 6; plus strand). Cytogenetic location: 2p16.3.
Variant type: single nucleotide variant.
Coding change: c.300G>A on transcript NM_000179.3 (MANE Select); coding-DNA position 300, G replaced by A.
Protein change: p.Met100Ile; replaces methionine 100 with isoleucine.
Molecular consequence: missense variant. On other transcripts: 5 prime UTR variant (2), intron variant (1).
Genome position (GRCh38, 1-based): chr2:47,790,966, G>A. VCF-style: chr2-47790966-G-A. GRCh37 (hg19) VCF-style: chr2-48018105-G-A.
Other names: c.-437G>A (NM_001281493.2); c.-603G>A (NM_001281494.2); c.237+7496G>A (NM_001281492.2); short protein forms M100I.
Identifiers: ClinVar variation 641861 (VCV000641861.10), dbSNP rs1572708607, ClinGen allele CA346736720.